The following is an entry in ClinVar:

NM_144687.4(NLRP12):c.1058T>A (p.Leu353Gln)

Gene: NLRP12 (NLR family pyrin domain containing 12; minus strand). Cytogenetic location: 19q13.42.
Variant type: single nucleotide variant.
Coding change: c.1058T>A on transcript NM_144687.4 (MANE Select); coding-DNA position 1058, T replaced by A.
Protein change: p.Leu353Gln; replaces leucine 353 with glutamine.
Molecular consequence: missense variant.
Genome position (GRCh38, 1-based): chr19:53,810,601, A>T on the plus strand (T>A on the coding strand, the complement: NLRP12 is on the minus strand). VCF-style: chr19-53810601-A-T. GRCh37 (hg19) VCF-style: chr19-54313855-A-T.
Other names: c.1058T>A, p.Leu353Gln (NM_001277126.2, NM_001277129.1); short protein forms L353Q.
Identifiers: ClinVar variation 2765255 (VCV002765255.3), dbSNP rs2514344704, ClinGen allele CA407415005.
Genomic context (GRCh38, chr19:53,810,601, plus strand): 5'-TATTCCTTCCTTTCTGCCTCAGAGAAGCCCAGGATCTCCACATGCCTGGGGTGCTCCAGC[A>T]GACGGTGGAGCTTCTCCAAAGCCGTGGGCCGTGTGGTGATGAGCAAAGATAGCTCAGGGA-3'
Protein context (NP_653288.1, residues 343-363): RPTALEKLHR[Leu353Gln]LEHPRHVEIL

ClinVar aggregate classification (germline): Uncertain significance (1 of 4 stars; one submission).

Conditions:
Familial cold autoinflammatory syndrome 2 (FCAS2). Identifiers: Orphanet 247868, MedGen C2673198, MONDO:0012724, OMIM 611762.

Submission:

Labcorp Genetics (formerly Invitae), Labcorp
Classification: Uncertain significance for Familial cold autoinflammatory syndrome 2. Last evaluated: 2023-10-04. Review status: criteria provided, single submitter. Criteria: Invitae Variant Classification Sherloc (09022015). Collection method: clinical testing. Allele origin: germline.
Comment: This sequence change replaces leucine, which is neutral and non-polar, with glutamine, which is neutral and polar, at codon 353 of the NLRP12 protein (p.Leu353Gln). This variant is not present in population databases (gnomAD no frequency). This variant has not been reported in the literature in individuals affected with NLRP12-related conditions. Advanced modeling of protein sequence and biophysical properties (such as structural, functional, and spatial information, amino acid conservation, physicochemical variation, residue mobility, and thermodynamic stability) performed at Invitae indicates that this missense variant is not expected to disrupt NLRP12 protein function. In summary, the available evidence is currently insufficient to determine the role of this variant in disease. Therefore, it has been classified as a Variant of Uncertain Significance.